The following is an entry in ClinVar:

ClinVar aggregate classification (germline): Benign/Likely benign. Review status: criteria provided, multiple submitters, no conflicts (2 of 4 stars). 7 submissions from 7 submitters: Benign (1); Likely benign (6). Last evaluated 2026-02-02.

Conditions:
RYR1-related disorder. Also called: RYR1-related condition; RYR1-related disorders. Identifiers: MedGen CN239331.
Malignant hyperthermia, susceptibility to, 1 (MHS1). Also called: Anesthesia related hyperthermia; Malignant hyperpyrexia; Fulminating hyperpyrexia; Pharmacogenic myopathy; RYR1-Related Malignant Hyperthermia Susceptibility; Malignant hyperthermia suceptibility 1. Identifiers: Orphanet 423, MedGen C2930980, MONDO:0007783, OMIM 145600.
Central core myopathy (CMYO1A). Also called: CONGENITAL MYOPATHY 1A, AUTOSOMAL DOMINANT, WITH SUSCEPTIBILITY TO MALIGNANT HYPERTHERMIA; Central core disease; Myopathy, central fibrillar. Identifiers: Orphanet 597, MedGen C5830701, MONDO:0007294, OMIM 117000.
Congenital myopathy with fiber type disproportion. Also called: Congenital fiber-type disproportion; Congenital fiber-type disproportion myopathy. Identifiers: Orphanet 2020, MedGen C0546264, MONDO:0009711. Inheritance: all.
Congenital multicore myopathy with external ophthalmoplegia (CMYO1B). Also called: Congenital myopathy 1B, autosomal recessive; Minicore myopathy; Minicore myopathy with external ophthalmoplegia; MULTIMINICORE DISEASE WITH EXTERNAL OPHTHALMOPLEGIA; MULTICORE MYOPATHY. Identifiers: Orphanet 598, Orphanet 98905, MedGen C1850674, MONDO:0009712, OMIM 255320, HP:0003789.
King Denborough syndrome (KDS). Identifiers: MedGen C1840365, MONDO:0020485, OMIM 619542.

Allele frequency attached by ClinVar (database versions not stated): gnomAD exomes 0.00008 and 0.00017; ExAC 0.00024; ESP Exome Variant Server 0.00038; gnomAD 0.00082 and 0.00088; TOPMed 0.00099; 1000 Genomes Project 30x 0.00109; 1000 Genomes Project 0.00120.
gnomAD v4.1: 251 of 1,614,130 alleles (0.016%); highest among the groups gnomAD compares: African/African-American, 0.3%; 1 homozygote.

Submissions (7):

Labcorp Genetics (formerly Invitae), Labcorp
Classification: Benign for RYR1-related disorder. Last evaluated: 2026-02-02. Review status: criteria provided, single submitter. Criteria: Invitae Variant Classification Sherloc (09022015). Collection method: clinical testing. Allele origin: germline.

Blueprint Genetics
Classification: Likely benign. Last evaluated: 2024-07-30. Review status: criteria provided, single submitter. Criteria: ACMG Guidelines, 2015. Collection method: clinical testing. Allele origin: germline.

Mayo Clinic Laboratories, Mayo Clinic
Classification: Likely benign. Last evaluated: 2024-02-14. Review status: criteria provided, single submitter. Criteria: ACMG Guidelines, 2015. Collection method: clinical testing. Allele origin: germline. Observed: 3 variant alleles.
Comment: BP4, BP7

Color Diagnostics, LLC DBA Color Health
Classification: Likely benign for Malignant hyperthermia, susceptibility to, 1. Last evaluated: 2022-11-06. Review status: criteria provided, single submitter. Criteria: ACMG Guidelines, 2015. Collection method: clinical testing. Allele origin: germline.

Fulgent Genetics
Classification: Likely benign for Central core myopathy; Malignant hyperthermia, susceptibility to, 1; Congenital myopathy 4A, autosomal dominant; Congenital multicore myopathy with external ophthalmoplegia; King Denborough syndrome. Last evaluated: 2021-08-12. Review status: criteria provided, single submitter. Criteria: ACMG Guidelines, 2015. Collection method: clinical testing. Allele origin: unknown.

GeneDx
Classification: Likely benign. Last evaluated: 2018-01-03. Review status: criteria provided, single submitter. Criteria: GeneDx Variant Classification (06012015). Collection method: clinical testing. Allele origin: germline. Affected: yes.
Comment: This variant is considered likely benign or benign based on one or more of the following criteria: it is a conservative change, it occurs at a poorly conserved position in the protein, it is predicted to be benign by multiple in silico algorithms, and/or has population frequency not consistent with disease.

PreventionGenetics, part of Exact Sciences
Classification: Likely benign. Last evaluated: 2017-03-24. Review status: criteria provided, single submitter. Criteria: ACMG Guidelines, 2015. Collection method: clinical testing. Allele origin: germline.

NM_000540.3(RYR1):c.14130-9T>G

Gene: RYR1 (ryanodine receptor 1; plus strand). Cytogenetic location: 19q13.2.
Variant type: single nucleotide variant.
Coding change: c.14130-9T>G on transcript NM_000540.3 (MANE Select); 9 bases into the intron before coding-DNA position 14130, T replaced by G.
Molecular consequence: intron variant.
Genome position (GRCh38, 1-based): chr19:38,575,910, T>G. VCF-style: chr19-38575910-T-G. GRCh37 (hg19) VCF-style: chr19-39066550-T-G.
Other names: p.?; c.14115-9T>G (NM_001042723.2).
Identifiers: ClinVar variation 509235 (VCV000509235.17), dbSNP rs191894192, ClinGen allele CA060890.